The following is an entry in ClinVar:

NM_005912.3(MC4R):c.983T>A (p.Leu328Ter)

Gene: MC4R (melanocortin 4 receptor; minus strand). Cytogenetic location: 18q21.32.
Variant type: single nucleotide variant.
Coding change: c.983T>A on transcript NM_005912.3 (MANE Select); coding-DNA position 983, T replaced by A.
Protein change: p.Leu328Ter; replaces leucine 328 with a stop codon.
Molecular consequence: nonsense.
Genome position (GRCh38, 1-based): chr18:60,371,367, A>T on the plus strand (T>A on the coding strand, the complement: MC4R is on the minus strand). VCF-style: chr18-60371367-A-T. GRCh37 (hg19) VCF-style: chr18-58038600-A-T.
Other names: short protein forms L328*.
Identifiers: ClinVar variation 586139 (VCV000586139.8), dbSNP rs751914635, ClinGen allele CA8980797.

ClinVar aggregate classification (germline): Uncertain significance. Review status: criteria provided, multiple submitters, no conflicts (2 of 4 stars). 3 submissions from 3 submitters: Uncertain significance (3). Last evaluated 2025-10-31.

Conditions:
MC4R-related disorder. Also called: MC4R-related condition.

Allele frequency attached by ClinVar (database versions not stated): gnomAD exomes below 0.00001 and 0.00002; ExAC 0.00002; TOPMed 0.00002.

Submissions (3):

PreventionGenetics, part of Exact Sciences
Classification: Uncertain significance for MC4R-related condition. Last evaluated: 2025-10-31. Review status: criteria provided, single submitter. Criteria: ACMG Guidelines, 2015. Collection method: clinical testing. Allele origin: germline.
Comment: The MC4R c.983T>A variant is predicted to result in premature protein termination (p.Leu328*). This variant truncates the final five amino acids of the MC4R protein. This variant has been reported reported in an individual with a lean phenotype and in another with obesity (Moore et al. 2018. PubMed ID: 29991773). Functional studies found that this variant performs like the wild type protein in transfected cells (Moore et al. 2018. PubMed ID: 29991773). In ClinVar, this variant has been interpreted as uncertain. This variant is reported in 0.0029% of alleles in individuals of Latino descent in gnomAD. Although we suspect that this variant may be benign, the clinical significance of this variant is classified as uncertain at this time due to insufficient functional and genetic evidence.

Labcorp Genetics (formerly Invitae), Labcorp
Classification: Uncertain significance. Last evaluated: 2024-09-05. Review status: criteria provided, single submitter. Criteria: Invitae Variant Classification Sherloc (09022015). Collection method: clinical testing. Allele origin: germline.
Comment: This sequence change creates a premature translational stop signal (p.Leu328*) in the MC4R gene. While this is not anticipated to result in nonsense mediated decay, it is expected to disrupt the last 5 amino acid(s) of the MC4R protein. This variant is present in population databases (rs751914635, gnomAD 0.003%). This premature translational stop signal has been observed in individual(s) with clinical features of obesity (PMID: 29991773, 32952152). ClinVar contains an entry for this variant (Variation ID: 586139). Algorithms developed to predict the effect of variants on gene product structure and function are not available or were not evaluated for this variant. Experimental studies have shown that this premature translational stop signal does not substantially affect MC4R function (PMID: 29991773). In summary, the available evidence is currently insufficient to determine the role of this variant in disease. Therefore, it has been classified as a Variant of Uncertain Significance.

Athena Diagnostics
Classification: Uncertain significance. Last evaluated: 2023-10-20. Review status: criteria provided, single submitter. Criteria: Athena Diagnostics Criteria. Collection method: clinical testing. Allele origin: unknown.
Comment: Available data are insufficient to determine the clinical significance of the variant at this time. The available data on the frequency of this variant in large general population databases was not informative towards the evaluation of its pathogenicity. MC4R is a single-exon gene and therefore splicing is not expected, nor predicted. Assessment of experimental evidence regarding the effect of this variant on protein function suggests it has no effect relevant to disease. The variant is reported to display normal cell surface localization and normal signal transduction in response to ligand binding (PMID: 29991773)

Literature cited by the submitters: PubMed 29991773 (cited by Labcorp Genetics (formerly Invitae), Labcorp and Athena Diagnostics); PubMed 32952152 (cited by Labcorp Genetics (formerly Invitae), Labcorp and Athena Diagnostics); PubMed 31589614 (cited by Athena Diagnostics).